The following is an entry in ClinVar:

NM_018136.5(ASPM):c.7670C>G (p.Ser2557Cys)

Gene: ASPM (assembly factor for spindle microtubules; minus strand). Cytogenetic location: 1q31.3.
Variant type: single nucleotide variant.
Coding change: c.7670C>G on transcript NM_018136.5 (MANE Select); coding-DNA position 7670, C replaced by G.
Protein change: p.Ser2557Cys; replaces serine 2557 with cysteine.
Molecular consequence: missense variant. On other transcripts: intron variant (1).
Genome position (GRCh38, 1-based): chr1:197,101,581, G>C on the plus strand (C>G on the coding strand, the complement: ASPM is on the minus strand). VCF-style: chr1-197101581-G-C. GRCh37 (hg19) VCF-style: chr1-197070711-G-C.
Other names: c.4066-5417C>G (NM_001206846.2); short protein forms S2557C.
Identifiers: ClinVar variation 157875 (VCV000157875.48), dbSNP rs78215018, ClinGen allele CA271104.

ClinVar aggregate classification (germline): Conflicting classifications of pathogenicity. Review status: criteria provided, conflicting classifications (1 of 4 stars). 12 submissions from 12 submitters: Uncertain significance (8); Likely benign (2). 2 of the submissions do not count toward it. Last evaluated 2026-01-01.

Conditions:
ASPM-related disorder. Also called: ASPM-related condition.
Inborn genetic diseases. Identifiers: MedGen C0950123, MeSH D030342.
Microcephaly 5, primary, autosomal recessive (MCPH5). Also called: ASPM Primary Microcephaly. Identifiers: Orphanet 2512, MedGen C1837501, MONDO:0012106, OMIM 608716.
Intellectual disability. Also called: Intellectual functioning disability; intellectual disabilities; Intellectual developmental disorder. Identifiers: MedGen C3714756, MeSH D008607, MONDO:0001071, HP:0001249.

Allele frequency attached by ClinVar (database versions not stated): TOPMed 0.00108; ESP Exome Variant Server 0.00146; gnomAD exomes 0.00195 and 0.00083; 1000 Genomes Project 30x 0.00078; 1000 Genomes Project 0.00080; ExAC 0.00085; gnomAD 0.00093 and 0.00097.

Submissions (12):

CeGaT Center for Human Genetics Tuebingen
Classification: Likely benign. Last evaluated: 2026-01-01. Review status: criteria provided, single submitter. Criteria: CeGaT Center For Human Genetics Tuebingen Variant Classification Criteria Version 2. Collection method: clinical testing. Allele origin: germline. Affected: yes. Observed: 3 variant alleles.
Comment: ASPM: BP4

Labcorp Genetics (formerly Invitae), Labcorp
Classification: Uncertain significance. Last evaluated: 2022-11-01. Review status: criteria provided, single submitter. Criteria: Invitae Variant Classification Sherloc (09022015). Collection method: clinical testing. Allele origin: germline.
Comment: This sequence change replaces serine, which is neutral and polar, with cysteine, which is neutral and slightly polar, at codon 2557 of the ASPM protein (p.Ser2557Cys). This variant is present in population databases (rs78215018, gnomAD 0.1%), and has an allele count higher than expected for a pathogenic variant. This missense change has been observed in individual(s) with clinical features of ASPM-related conditions (PMID: 23611254). ClinVar contains an entry for this variant (Variation ID: 157875). Advanced modeling of protein sequence and biophysical properties (such as structural, functional, and spatial information, amino acid conservation, physicochemical variation, residue mobility, and thermodynamic stability) performed at Invitae indicates that this missense variant is not expected to disrupt ASPM protein function. In summary, the available evidence is currently insufficient to determine the role of this variant in disease. Therefore, it has been classified as a Variant of Uncertain Significance.

Revvity Omics, Revvity
Classification: Uncertain significance for Microcephaly 5, primary, autosomal recessive. Last evaluated: 2020-06-29. Review status: criteria provided, single submitter. Criteria: ACMG Guidelines, 2015. Collection method: clinical testing. Allele origin: germline.

GeneDx
Classification: Likely benign. Last evaluated: 2020-06-01. Review status: criteria provided, single submitter. Criteria: GeneDx Variant Classification Process June 2021. Collection method: clinical testing. Allele origin: germline. Affected: yes.

Fulgent Genetics
Classification: Uncertain significance for Microcephaly 5, primary, autosomal recessive. Last evaluated: 2018-10-31. Review status: criteria provided, single submitter. Criteria: ACMG Guidelines, 2015. Collection method: clinical testing. Allele origin: unknown.

Eurofins Ntd Llc (ga)
Classification: Uncertain significance. Last evaluated: 2018-06-12. Review status: criteria provided, single submitter. Criteria: EGL ClinVar v180209 classification definitions. Collection method: clinical testing. Allele origin: germline. Observed: 1 variant allele, 1 heterozygote.

Athena Diagnostics
Classification: Uncertain significance. Last evaluated: 2018-06-11. Review status: criteria provided, single submitter. Criteria: Athena Diagnostics Criteria. Collection method: clinical testing. Allele origin: germline.

Illumina Laboratory Services, Illumina
Classification: Uncertain significance for Microcephaly 5, primary, autosomal recessive. Last evaluated: 2018-01-13. Review status: criteria provided, single submitter. Criteria: ICSL Variant Classification Criteria 13 December 2019. Collection method: clinical testing. Allele origin: germline.

Ambry Genetics
Classification: Uncertain significance for Inborn genetic diseases. Last evaluated: 2016-02-19. Review status: criteria provided, single submitter. Criteria: Ambry exome assertion method (8-5-2015). Collection method: clinical testing. Allele origin: germline. Affected: yes. Observed: 1 variant allele.

Genetic Services Laboratory, University of Chicago
Classification: Uncertain significance for Microcephaly 5, primary, autosomal recessive. Last evaluated: 2013-02-08. Review status: criteria provided, single submitter. Criteria: ACMG Guidelines, 2007. Collection method: clinical testing. Allele origin: germline. Inheritance: Autosomal recessive inheritance.

PreventionGenetics, part of Exact Sciences
Classification: Likely benign for ASPM-related condition. Last evaluated: 2022-02-22. Review status: no assertion criteria provided. Collection method: clinical testing. Allele origin: germline. Not counted in ClinVar's aggregate classification.
Comment: This variant is classified as likely benign based on ACMG/AMP sequence variant interpretation guidelines (Richards et al. 2015 PMID: 25741868, with internal and published modifications).

Centre de Biologie Pathologie Génétique, Centre Hospitalier Universitaire de Lille
Classification: Uncertain significance for Intellectual disability. Last evaluated: 2019-01-01. Review status: no assertion criteria provided. Collection method: clinical testing. Allele origin: unknown. Affected: yes. Not counted in ClinVar's aggregate classification.

Literature cited by the submitters: PubMed 23611254 (cited by Labcorp Genetics (formerly Invitae), Labcorp).